The following is an entry in ClinVar:

ClinVar aggregate classification (germline): Uncertain significance (1 of 4 stars; one submission).

Allele frequency attached by ClinVar (database versions not stated): gnomAD exomes below 0.00001.
gnomAD v4.1: 1 of 1,614,070 alleles (0.000062%); highest among the groups gnomAD compares: Non-Finnish European, 0.000085%; no homozygotes.

Submission:

Labcorp Genetics (formerly Invitae), Labcorp
Classification: Uncertain significance. Last evaluated: 2022-01-28. Review status: criteria provided, single submitter. Criteria: Invitae Variant Classification Sherloc (09022015). Collection method: clinical testing. Allele origin: germline.
Comment: This variant has not been reported in the literature in individuals affected with LRP5-related conditions. In summary, the available evidence is currently insufficient to determine the role of this variant in disease. Therefore, it has been classified as a Variant of Uncertain Significance. Advanced modeling of protein sequence and biophysical properties (such as structural, functional, and spatial information, amino acid conservation, physicochemical variation, residue mobility, and thermodynamic stability) performed at Invitae indicates that this missense variant is not expected to disrupt LRP5 protein function. This variant is not present in population databases (gnomAD no frequency). This sequence change replaces lysine, which is basic and polar, with methionine, which is neutral and non-polar, at codon 1374 of the LRP5 protein (p.Lys1374Met).

NM_002335.4(LRP5):c.4121A>T (p.Lys1374Met)

Gene: LRP5 (LDL receptor related protein 5; plus strand). Cytogenetic location: 11q13.2.
Variant type: single nucleotide variant.
Coding change: c.4121A>T on transcript NM_002335.4 (MANE Select); coding-DNA position 4121, A replaced by T.
Protein change: p.Lys1374Met; replaces lysine 1374 with methionine.
Molecular consequence: missense variant.
Genome position (GRCh38, 1-based): chr11:68,438,455, A>T. VCF-style: chr11-68438455-A-T. GRCh37 (hg19) VCF-style: chr11-68205923-A-T.
Other names: c.2378A>T, p.Lys793Met (NM_001291902.2); short protein forms K1374M, K793M.
Identifiers: ClinVar variation 2091044 (VCV002091044.4), dbSNP rs2496899390, ClinGen allele CA381614832.
Genomic context (GRCh38, chr11:68,438,455, plus strand): 5'-CCATTCCGTTGGGGTTAATGTTGGCCACCTCTTTCTGTTTGTCTCTGGCAGAAATCACCA[A>T]GCCGCCCTCAGACGACAGCCCGGCCCACAGCAGTGCCATCGGGCCCGTCATTGGCATCAT-3'
Protein context (NP_002326.2, residues 1364-1384): GSDELMCEIT[Lys1374Met]PPSDDSPAHS